The following is an entry in ClinVar:

NM_001077350.3(NPRL3):c.1107C>T (p.Ser369=)

Genes: HBA-LCR (alpha-globin locus control region; plus strand), NPRL3 (NPR3 like, GATOR1 complex subunit; minus strand). Cytogenetic location: 16p13.3.
Variant type: single nucleotide variant.
Coding change: c.1107C>T on transcript NM_001077350.3 (MANE Select); coding-DNA position 1107, C replaced by T.
Protein change: p.Ser369=; no amino-acid change (serine 369 retained).
Molecular consequence: synonymous variant.
Genome position (GRCh38, 1-based): chr16:92,650, G>A on the plus strand (C>T on the coding strand, the complement: NPRL3 is on the minus strand). VCF-style: chr16-92650-G-A. GRCh37 (hg19) VCF-style: chr16-142648-G-A.
Other names: c.570C>T, p.Ser190= (NM_001039476.3); c.873C>T, p.Ser291= (NM_001243247.2); c.1032C>T, p.Ser344= (NM_001243248.2, NM_001243249.2).
Identifiers: ClinVar variation 476215 (VCV000476215.49), dbSNP rs572375358, ClinGen allele CA7769450.

ClinVar aggregate classification (germline): Likely benign. Review status: criteria provided, multiple submitters, no conflicts (2 of 4 stars). 3 submissions from 3 submitters: Likely benign (3). Last evaluated 2026-01-12.

Conditions:
Epilepsy, familial focal, with variable foci 3 (FFEVF3). Identifiers: MedGen C4310708, MONDO:0014925, OMIM 617118.

Allele frequency attached by ClinVar (database versions not stated): ExAC 0.00015; TOPMed 0.00017; gnomAD 0.00019; gnomAD exomes 0.00019; 1000 Genomes Project 30x 0.00047; 1000 Genomes Project 0.00060.
gnomAD v4.1: 361 of 1,613,844 alleles (0.022%); highest among the groups gnomAD compares: Admixed American, 0.037%; no homozygotes.

Submissions (3):

Labcorp Genetics (formerly Invitae), Labcorp
Classification: Likely benign for Epilepsy, familial focal, with variable foci 3. Last evaluated: 2026-01-12. Review status: criteria provided, single submitter. Criteria: Invitae Variant Classification Sherloc (09022015). Collection method: clinical testing. Allele origin: germline.

Blueprint Genetics
Classification: Likely benign. Last evaluated: 2024-10-11. Review status: criteria provided, single submitter. Criteria: ACMG Guidelines, 2015. Collection method: clinical testing. Allele origin: germline.

CeGaT Center for Human Genetics Tuebingen
Classification: Likely benign. Last evaluated: 2023-08-01. Review status: criteria provided, single submitter. Criteria: CeGaT Center For Human Genetics Tuebingen Variant Classification Criteria Version 2. Collection method: clinical testing. Allele origin: germline. Affected: yes. Observed: 3 variant alleles.
Comment: NPRL3: BP4, BP7